The following is an entry in ClinVar:

ClinVar aggregate classification (germline): Likely pathogenic. Review status: criteria provided, multiple submitters, no conflicts (2 of 4 stars). 2 submissions from 2 submitters: Likely pathogenic (2). Last evaluated 2025-03-11.

Conditions:
Kostmann syndrome (SCN3). Also called: KOSTMANN DISEASE; Autosomal recessive severe congenital neutropenia type 3. Identifiers: Orphanet 99749, MedGen C5235141, MONDO:0012548, OMIM 610738.

Submissions (2):

Natera, Inc.
Classification: Likely pathogenic for Autosomal recessive severe congenital neutropenia type 3. Last evaluated: 2025-03-11. Review status: criteria provided, single submitter. Criteria: Natera Variant Classification Schema (03/2026). Collection method: clinical testing. Allele origin: germline.
Comment: The c.556+1G>C variant in HAX1 is a canonical splice donor site variant predicted to affect pre-mRNA splicing, which may result in an abnormal transcript and altered protein product. This variant is expected to result in nonsense mediated decay, truncation, or a dysfunctional protein product. This variant is rare in the general population with a frequency below the threshold expected for the associated phenotype(s). Given the available evidence, this variant is classified as Likely Pathogenic.

Labcorp Genetics (formerly Invitae), Labcorp
Classification: Likely pathogenic for Kostmann syndrome. Last evaluated: 2023-09-19. Review status: criteria provided, single submitter. Criteria: Invitae Variant Classification Sherloc (09022015). Collection method: clinical testing. Allele origin: germline.
Comment: This sequence change affects a donor splice site in intron 4 of the HAX1 gene. It is expected to disrupt RNA splicing. Variants that disrupt the donor or acceptor splice site typically lead to a loss of protein function (PMID: 16199547), and loss-of-function variants in HAX1 are known to be pathogenic (PMID: 17187068). This variant is not present in population databases (gnomAD no frequency). This variant has not been reported in the literature in individuals affected with HAX1-related conditions. ClinVar contains an entry for this variant (Variation ID: 834967). Algorithms developed to predict the effect of sequence changes on RNA splicing suggest that this variant may disrupt the consensus splice site. In summary, the currently available evidence indicates that the variant is pathogenic, but additional data are needed to prove that conclusively. Therefore, this variant has been classified as Likely Pathogenic.

Literature cited by the submitters: PubMed 16199547 (cited by Labcorp Genetics (formerly Invitae), Labcorp); PubMed 17187068 (cited by Labcorp Genetics (formerly Invitae), Labcorp).

NM_006118.4(HAX1):c.556+1G>C

Gene: HAX1 (HCLS1 associated protein X-1; plus strand). Cytogenetic location: 1q21.3.
Variant type: single nucleotide variant.
Coding change: c.556+1G>C on transcript NM_006118.4 (MANE Select); the canonical splice donor site of the intron after coding-DNA position 556, G replaced by C.
Molecular consequence: splice donor variant.
Genome position (GRCh38, 1-based): chr1:154,275,002, G>C. VCF-style: chr1-154275002-G-C. GRCh37 (hg19) VCF-style: chr1-154247478-G-C.
Other names: c.412+1G>C (NM_001018837.2).
Identifiers: ClinVar variation 834967 (VCV000834967.10), dbSNP rs1684901295, ClinGen allele CA342593172.